The following is an entry in ClinVar:

ClinVar aggregate classification (germline): Uncertain significance (1 of 4 stars; one submission).

Conditions:
Inborn genetic diseases. Identifiers: MedGen C0950123, MeSH D030342.

Submission:

Ambry Genetics
Classification: Uncertain significance for Inborn genetic diseases. Last evaluated: 2025-11-16. Review status: criteria provided, single submitter. Criteria: Ambry Variant Classification Scheme 2023. Collection method: clinical testing. Allele origin: germline.
Comment: The p.I10M variant (also known as c.30T>G), located in coding exon 1 of the ETV6 gene, results from a T to G substitution at nucleotide position 30. The isoleucine at codon 10 is replaced by methionine, an amino acid with highly similar properties. This amino acid position is conserved. In addition, this alteration is predicted to be tolerated by in silico analysis. Based on the available evidence, the clinical significance of this variant remains unclear.

NM_001987.5(ETV6):c.30T>G (p.Ile10Met)

Gene: ETV6 (ETS variant transcription factor 6; plus strand). Cytogenetic location: 12p13.2.
Variant type: single nucleotide variant.
Coding change: c.30T>G on transcript NM_001987.5 (MANE Select); coding-DNA position 30, T replaced by G.
Protein change: p.Ile10Met; replaces isoleucine 10 with methionine.
Molecular consequence: missense variant. On other transcripts: 5 prime UTR variant (2).
Genome position (GRCh38, 1-based): chr12:11,650,157, T>G. VCF-style: chr12-11650157-T-G. GRCh37 (hg19) VCF-style: chr12-11803091-T-G.
Other names: c.30T>G, p.Ile10Met (NM_001413913.1, NM_001413916.1, NM_001413917.1 and 1 more transcripts); c.-123T>G (NM_001413914.1); c.-105T>G (NM_001413915.1); short protein forms I10M.
Identifiers: ClinVar variation 4618874 (VCV004618874.1).